The following is an entry in ClinVar:

ClinVar aggregate classification (germline): Benign/Likely benign. Review status: criteria provided, multiple submitters, no conflicts (2 of 4 stars). 4 submissions from 4 submitters: Benign (1); Likely benign (3). Last evaluated 2025-01-06.

Conditions:
Hereditary nonpolyposis colorectal neoplasms. Identifiers: MedGen C0009405, MeSH D003123.
Hereditary cancer-predisposing syndrome. Also called: Hereditary Cancer Syndrome; Hereditary neoplastic syndrome; Neoplastic Syndromes, Hereditary; Tumor predisposition. Identifiers: Orphanet 140162, MedGen C0027672, MeSH D009386, MONDO:0015356.
Lynch syndrome. Identifiers: Orphanet 144, MedGen C4552100, MONDO:0005835. Disease mechanism: loss of function.
Lynch syndrome 5 (LYNCH5). Also called: Hereditary non-polyposis colorectal cancer, type 5; Colorectal cancer, hereditary nonpolyposis, type 5. Identifiers: Orphanet 144, MedGen C1833477, MONDO:0013710, OMIM 614350. Disease mechanism: loss of function.

gnomAD v4.1: 4 of 1,614,130 alleles (0.00025%); highest among the groups gnomAD compares: Non-Finnish European, 0.00017%; no homozygotes.

Submissions (4):

Myriad Genetics, Inc.
Classification: Benign for Lynch syndrome 5. Last evaluated: 2025-01-06. Review status: criteria provided, single submitter. Criteria: Myriad Autosomal Dominant, Autosomal Recessive and X-Linked Classification Criteria (2023). Collection method: clinical testing. Allele origin: unknown.
Comment: This variant is considered benign. This variant is a silent/synonymous amino acid change and it is not expected to impact splicing.

Labcorp Genetics (formerly Invitae), Labcorp
Classification: Likely benign for Hereditary nonpolyposis colorectal neoplasms. Last evaluated: 2024-07-30. Review status: criteria provided, single submitter. Criteria: Invitae Variant Classification Sherloc (09022015). Collection method: clinical testing. Allele origin: germline.

All of Us Research Program, National Institutes of Health
Classification: Likely benign for Lynch syndrome. Last evaluated: 2023-02-24. Review status: criteria provided, single submitter. Criteria: ACMG Guidelines, 2015. Collection method: clinical testing. Allele origin: germline. Inheritance: Autosomal dominant inheritance. Observed: 1 variant allele, 1 heterozygote.
Comment: This study involves interpretation of variants in research participants for the purpose of population health screening. Participant phenotype was not available at the time of variant classification. Additional details can be found in publication PMID: 35346344, PMCID: PMC8962531

Ambry Genetics
Classification: Likely benign for Hereditary cancer-predisposing syndrome. Last evaluated: 2020-09-07. Review status: criteria provided, single submitter. Criteria: Ambry Variant Classification Scheme 2023. Collection method: clinical testing. Allele origin: germline.

NM_000179.3(MSH6):c.3258C>G (p.Pro1086=)

Gene: MSH6 (mutS homolog 6; plus strand). Cytogenetic location: 2p16.3.
Variant type: single nucleotide variant.
Coding change: c.3258C>G on transcript NM_000179.3 (MANE Select); coding-DNA position 3258, C replaced by G.
Protein change: p.Pro1086=; no amino-acid change (proline 1086 retained).
Molecular consequence: synonymous variant.
Genome position (GRCh38, 1-based): chr2:47,803,505, C>G. VCF-style: chr2-47803505-C-G. GRCh37 (hg19) VCF-style: chr2-48030644-C-G.
Other names: c.2868C>G, p.Pro956= (NM_001281492.2); c.2352C>G, p.Pro784= (NM_001281493.2, NM_001281494.2).
Identifiers: ClinVar variation 455244 (VCV000455244.16), dbSNP rs863224331, ClinGen allele CA426121859.
Genomic context (GRCh38, chr2:47,803,505, plus strand): 5'-TAGTCGAGGGGGTGATGGTCCTATGTGTCGCCCAGTAATTCTGTTGCCGGAAGATACCCC[C>G]CCCTTCTTAGAGCTTAAAGGATCACGCCATCCTTGCATTACGAAGACTTTTTTTGGAGAT-3'
Protein context (NP_000170.1, residues 1076-1096): RPVILLPEDT[Pro1086=]PFLELKGSRH